The following is an entry in ClinVar:

ClinVar aggregate classification (germline): Uncertain significance. Review status: criteria provided, single submitter (1 of 4 stars). 2 submissions from 2 submitters: Uncertain significance (1). 1 of the submissions does not count toward it. Last evaluated 2021-04-27.

Conditions:
TH-deficient dopa-responsive dystonia. Also called: Tyrosine Hydroxylase-Deficient Dopa-Responsive Dystonia; Segawa syndrome, autosomal recessive; DYT-TH. Identifiers: Orphanet 101150, MedGen C2673535, MONDO:0011551, OMIM 605407.

Allele frequency attached by ClinVar (database versions not stated): gnomAD exomes below 0.00001; ExAC 0.00001; 1000 Genomes Project 0.00020; 1000 Genomes Project 30x 0.00031.
gnomAD v4.1: 1 of 1,612,704 alleles (0.000062%); highest among the groups gnomAD compares: Admixed American, 0.0017%; no homozygotes.

Submissions (2):

Labcorp Genetics (formerly Invitae), Labcorp
Classification: Uncertain significance for TH-deficient dopa-responsive dystonia. Last evaluated: 2021-04-27. Review status: criteria provided, single submitter. Criteria: Invitae Variant Classification Sherloc (09022015). Collection method: clinical testing. Allele origin: germline.
Comment: In summary, the available evidence is currently insufficient to determine the role of this variant in disease. Therefore, it has been classified as a Variant of Uncertain Significance. Advanced modeling of protein sequence and biophysical properties (such as structural, functional, and spatial information, amino acid conservation, physicochemical variation, residue mobility, and thermodynamic stability) performed at Invitae indicates that this missense variant is not expected to disrupt TH protein function. This variant has not been reported in the literature in individuals with TH-related conditions. This variant is present in population databases (rs577028504, ExAC 0.009%). This sequence change replaces phenylalanine with leucine at codon 104 of the TH protein (p.Phe104Leu). The phenylalanine residue is highly conserved and there is a small physicochemical difference between phenylalanine and leucine.

Natera, Inc.
Classification: Uncertain significance for Autosomal recessive Segawa syndrome. Last evaluated: 2025-02-04. Review status: no assertion criteria provided. Collection method: clinical testing. Allele origin: germline. Not counted in ClinVar's aggregate classification.

NM_000360.4(TH):c.217T>C (p.Phe73Leu)

Gene: TH (tyrosine hydroxylase; minus strand). Cytogenetic location: 11p15.5.
Variant type: single nucleotide variant.
Coding change: c.217T>C on transcript NM_000360.4 (MANE Select); coding-DNA position 217, T replaced by C.
Protein change: p.Phe73Leu; replaces phenylalanine 73 with leucine.
Molecular consequence: missense variant.
Genome position (GRCh38, 1-based): chr11:2,169,745, A>G on the plus strand (T>C on the coding strand, the complement: TH is on the minus strand). VCF-style: chr11-2169745-A-G. GRCh37 (hg19) VCF-style: chr11-2190975-A-G.
Other names: c.310T>C, p.Phe104Leu (NM_199292.3); c.298T>C, p.Phe100Leu (NM_199293.3); c.310T>C (NM_199292.2); short protein forms F100L, F104L, F73L.
Identifiers: ClinVar variation 1347826 (VCV001347826.9), dbSNP rs577028504, ClinGen allele CA5818757.
Genomic context (GRCh38, chr11:2,169,745, plus strand): 5'-GCTTGGTGGCCCTCGGGGAGAAGAGCAGGTTTAGCACGGCCTTCCCCTCCTTCTCCTCAA[A>G]GGCCACAGCCTCCAGGGGGTCCCCGGGCTCCGAGGGGACTGCAGCGGCCGCTGCTGCCAC-3'
Protein context (NP_000351.2, residues 63-83): EPGDPLEAVA[Phe73Leu]EEKEGKAVLN